The following is an entry in ClinVar:

ClinVar aggregate classification (germline): Pathogenic (1 of 4 stars; one submission).

Conditions:
Hereditary thrombocytopenia and hematological cancer predisposition syndrome associated with RUNX1. Also called: PLATELET DISORDER, ASPIRIN-LIKE; Familial Platelet Disorder with Propensity to Acute Myelogenous Leukemia; Familial thrombocytopenia with propensity to acute myelogenous leukemia; RUNX1 Familial Platelet Disorder with Associated Myeloid Malignancies. Identifiers: Orphanet 71290, MedGen C1832388, MeSH C563324, MONDO:0100083, OMIM 601399.

Submission:

Labcorp Genetics (formerly Invitae), Labcorp
Classification: Pathogenic for Hereditary thrombocytopenia and hematological cancer predisposition syndrome associated with RUNX1. Last evaluated: 2018-04-09. Review status: criteria provided, single submitter. Criteria: Invitae Variant Classification Sherloc (09022015). Collection method: clinical testing. Allele origin: germline.
Comment: A gross deletion of the genomic region encompassing the full coding sequence of the RUNX1 gene has been identified. The boundaries of this event are unknown as the deletion extends beyond the assayed region for this gene and therefore may encompass additional genes. Loss-of-function variants in RUNX1 are known to be pathogenic. Deletions of the entire RUNX1 gene have been reported in the literature in individuals affected with familial and idiopathic platelet disorder and acute myeloid leukemia (PMID: 19357396, 19679353, 21880633). For these reasons, this variant has been classified as Pathogenic.

Literature cited by the submitters: PubMed 19357396; PubMed 19679353; PubMed 21880633.

NC_000021.8:g.(?_36164426)_(36421202_?)del

Gene: RUNX1 (RUNX family transcription factor 1; minus strand). Cytogenetic location: 21q22.12.
Variant type: Deletion.
Identifiers: ClinVar variation 1069843 (VCV001069843.1).